The following is an entry in ClinVar:

ClinVar aggregate classification (germline): Pathogenic/Likely pathogenic. Review status: criteria provided, multiple submitters, no conflicts (2 of 4 stars). 2 submissions from 2 submitters: Pathogenic (1); Likely pathogenic (1). Last evaluated 2024-07-02.

Conditions:
FLG-related disorder. Also called: FLG-related condition; FLG-related disorders.

Submissions (2):

Blueprint Genetics
Classification: Likely pathogenic for FLG-related disorders. Last evaluated: 2024-07-02. Review status: criteria provided, single submitter. Criteria: ACMG Guidelines, 2015. Collection method: clinical testing. Allele origin: germline. Affected: yes. Observed: 2 variant alleles.

GeneDx
Classification: Pathogenic. Last evaluated: 2024-04-19. Review status: criteria provided, single submitter. Criteria: GeneDx Variant Classification Process June 2021. Collection method: clinical testing. Allele origin: germline. Affected: yes.
Comment: Nonsense variant in the C-terminus predicted to result in protein truncation, as the last 1308 amino acids are lost, and other loss-of-function variants have been reported downstream in the Human Gene Mutation Database; Has not been previously published as pathogenic or benign to our knowledge; This variant is associated with the following publications: (PMID: 16444271)

NM_002016.2(FLG):c.8262G>A (p.Trp2754Ter)

Genes: CCDST (cervical cancer associated DHX9 suppressive transcript; plus strand), FLG (filaggrin; minus strand). Cytogenetic location: 1q21.3.
Variant type: single nucleotide variant.
Coding change: c.8262G>A on transcript NM_002016.2 (MANE Select); coding-DNA position 8262, G replaced by A.
Protein change: p.Trp2754Ter; replaces tryptophan 2754 with a stop codon.
Molecular consequence: nonsense.
Genome position (GRCh38, 1-based): chr1:152,306,624, C>T on the plus strand (G>A on the coding strand, the complement: FLG is on the minus strand). VCF-style: chr1-152306624-C-T. GRCh37 (hg19) VCF-style: chr1-152279100-C-T.
Other names: short protein forms W2754*.
Identifiers: ClinVar variation 3364562 (VCV003364562.2).